The following is an entry in ClinVar:

ClinVar aggregate classification (germline): Pathogenic (1 of 4 stars; one submission).

Submission:

Labcorp Genetics (formerly Invitae), Labcorp
Classification: Pathogenic. Last evaluated: 2025-04-28. Review status: criteria provided, single submitter. Criteria: Invitae Variant Classification Sherloc (09022015). Collection method: clinical testing. Allele origin: germline.
Comment: This sequence change creates a premature translational stop signal (p.Cys96Valfs*9) in the ATR gene. It is expected to result in an absent or disrupted protein product. Loss-of-function variants in ATR are known to be pathogenic (PMID: 21228398, 23144622). This variant is not present in population databases (gnomAD no frequency). This variant has not been reported in the literature in individuals affected with ATR-related conditions. For these reasons, this variant has been classified as Pathogenic.

Literature cited by the submitters: PubMed 21228398; PubMed 23144622.

NM_001184.4(ATR):c.286del (p.Cys96fs)

Gene: ATR (ATR checkpoint kinase; minus strand). Cytogenetic location: 3q23.
Variant type: Deletion.
Coding change: c.286del on transcript NM_001184.4 (MANE Select); coding-DNA position 286, one base deleted (T; older notation c.286delT).
Protein change: p.Cys96fs; shifts the reading frame from cysteine 96.
Molecular consequence: frameshift variant.
Genome position (GRCh38, 1-based): chr3:142,566,127, A deleted on the plus strand (T on the coding strand, the reverse complement: ATR is on the minus strand); the first of 2 consecutive A bases (chr3:142,566,127-142,566,128); deleting either gives the same sequence. VCF-style (leftmost placement, unchanged base first): chr3-142566126-CA-C. GRCh37 (hg19) VCF-style: chr3-142284968-CA-C.
Other names: c.286del, p.Cys96fs (NM_001354579.2); short protein forms C96fs.
Identifiers: ClinVar variation 4766404 (VCV004766404.1).